The following is an entry in ClinVar:

ClinVar aggregate classification (germline): Uncertain significance. Review status: criteria provided, multiple submitters, no conflicts (2 of 4 stars). 2 submissions from 2 submitters: Uncertain significance (2). Last evaluated 2024-03-03.

Conditions:
Developmental and epileptic encephalopathy 94 (DEE94). Also called: Epileptic encephalopathy, childhood-onset; CHD2-Related Neurodevelopmental Disorders. Identifiers: Orphanet 1942, Orphanet 2382, MedGen C3809278, MONDO:0014150, OMIM 615369.

Allele frequency attached by ClinVar (database versions not stated): gnomAD 0.00001 and 0.00002; TOPMed 0.00004.
gnomAD v4.1: 25 of 1,614,204 alleles (0.0015%); highest among the groups gnomAD compares: South Asian, 0.013%; no homozygotes.

Submissions (2):

Labcorp Genetics (formerly Invitae), Labcorp
Classification: Uncertain significance for Developmental and epileptic encephalopathy 94. Last evaluated: 2024-03-03. Review status: criteria provided, single submitter. Criteria: Invitae Variant Classification Sherloc (09022015). Collection method: clinical testing. Allele origin: germline.
Comment: This sequence change replaces proline, which is neutral and non-polar, with alanine, which is neutral and non-polar, at codon 1779 of the CHD2 protein (p.Pro1779Ala). This variant is present in population databases (rs374271060, gnomAD 0.02%). This missense change has been observed in individual(s) with CHD2-related conditions (Invitae). ClinVar contains an entry for this variant (Variation ID: 546761). Advanced modeling of protein sequence and biophysical properties (such as structural, functional, and spatial information, amino acid conservation, physicochemical variation, residue mobility, and thermodynamic stability) performed at Invitae indicates that this missense variant is not expected to disrupt CHD2 protein function with a negative predictive value of 95%. In summary, the available evidence is currently insufficient to determine the role of this variant in disease. Therefore, it has been classified as a Variant of Uncertain Significance.

CeGaT Center for Human Genetics Tuebingen
Classification: Uncertain significance. Last evaluated: 2018-02-01. Review status: criteria provided, single submitter. Criteria: CeGaT Center For Human Genetics Tuebingen Variant Classification Criteria Version 2. Collection method: clinical testing. Allele origin: germline. Affected: yes. Observed: 1 variant allele.

NM_001271.4(CHD2):c.5335C>G (p.Pro1779Ala)

Gene: CHD2 (chromodomain helicase DNA binding protein 2; plus strand). Cytogenetic location: 15q26.1.
Variant type: single nucleotide variant.
Coding change: c.5335C>G on transcript NM_001271.4 (MANE Select); coding-DNA position 5335, C replaced by G.
Protein change: p.Pro1779Ala; replaces proline 1779 with alanine.
Molecular consequence: missense variant.
Genome position (GRCh38, 1-based): chr15:93,024,553, C>G. VCF-style: chr15-93024553-C-G. GRCh37 (hg19) VCF-style: chr15-93567783-C-G.
Other names: short protein forms P1779A.
Identifiers: ClinVar variation 546761 (VCV000546761.46), dbSNP rs374271060, ClinGen allele CA7748721.